The following is an entry in ClinVar:

Conditions:
Breast-ovarian cancer, familial, susceptibility to, 1 (BROVCA1). Also called: BRCA1 Hereditary Breast and Ovarian Cancer; OVARIAN CANCER, SUSCEPTIBILITY TO. Identifiers: Orphanet 145, MedGen C2676676, MONDO:0011450, OMIM 604370. Disease mechanism: loss of function.

Submission:

Brotman Baty Institute, University of Washington
No classification provided (evidence only). Condition: Breast-ovarian cancer, familial 1. Review status: no classification provided. Collection method: in vitro. Allele origin: not applicable. Functional consequence: functionally_abnormal.
ClinVar note: "not provided" was previously submitted as the classification for the variant. However, the classification appeared to be based only on an observation of functional data so it was converted to no classification on 2025-07-30.

NM_007294.4(BRCA1):c.5362G>C (p.Gly1788Arg)

Gene: BRCA1 (BRCA1 DNA repair associated; minus strand). Cytogenetic location: 17q21.31.
Variant type: single nucleotide variant.
Coding change: c.5362G>C on transcript NM_007294.4 (MANE Select); coding-DNA position 5362, G replaced by C.
Protein change: p.Gly1788Arg; replaces glycine 1788 with arginine.
Molecular consequence: missense variant. On other transcripts: non-coding transcript variant (1), intron variant (1).
Genome position (GRCh38, 1-based): chr17:43,049,165, C>G on the plus strand (G>C on the coding strand, the complement: BRCA1 is on the minus strand). VCF-style: chr17-43049165-C-G. GRCh37 (hg19) VCF-style: chr17-41201182-C-G.
Other names: c.5149G>C, p.Gly1717Arg (NM_001407571.1, NM_001407894.1, NM_001407895.1 and 12 more transcripts); c.5428G>C, p.Gly1810Arg (NM_001407581.1, NM_001407582.1); c.5425G>C, p.Gly1809Arg (NM_001407583.1, NM_001407585.1, NM_001407587.1 and 1 more transcripts); c.5422G>C, p.Gly1808Arg (NM_001407590.1, NM_001407591.1); c.5362G>C, p.Gly1788Arg (NM_001407593.1, NM_001407594.1, NM_001407596.1 and 5 more transcripts); c.5359G>C, p.Gly1787Arg (NM_001407610.1, NM_001407611.1, NM_001407612.1 and 14 more transcripts); c.5356G>C, p.Gly1786Arg (NM_001407629.1, NM_001407630.1, NM_001407631.1 and 13 more transcripts); c.5302G>C, p.Gly1768Arg (NM_001407649.1); and 73 more; short protein forms G1788R, G684R, G1741R, G1809R, G1634R, G1718R, G1720R, G1745R.
Identifiers: ClinVar variation 868034 (VCV000868034.3), dbSNP rs397509271, ClinGen allele CA10590740.